The following is an entry in ClinVar:

ClinVar aggregate classification (germline): Pathogenic (0 of 4 stars; one submission).

Conditions:
Central core myopathy (CMYO1A). Also called: Central core disease; Myopathy, central fibrillar; CONGENITAL MYOPATHY 1A, AUTOSOMAL DOMINANT, WITH SUSCEPTIBILITY TO MALIGNANT HYPERTHERMIA. Identifiers: Orphanet 597, MedGen C5830701, MONDO:0007294, OMIM 117000.

Submission:

GeneReviews
Classification: Pathogenic for Central Core Disease. Last evaluated: 2010-05-11. Review status: no assertion criteria provided. Collection method: curation. Allele origin: unknown.
ClinVar note: Converted during submission from pathologic to Pathogenic.

Single allele

Variant type: Variation.
Identifiers: ClinVar variation 65972 (VCV000065972.2).